The following is an entry in ClinVar:

NM_015602.4(TOR1AIP1):c.755C>T (p.Ser252Leu)

Gene: TOR1AIP1 (torsin 1A interacting protein 1; plus strand). Cytogenetic location: 1q25.2.
Variant type: single nucleotide variant.
Coding change: c.755C>T on transcript NM_015602.4 (MANE Select); coding-DNA position 755, C replaced by T.
Protein change: p.Ser252Leu; replaces serine 252 with leucine.
Molecular consequence: missense variant.
Genome position (GRCh38, 1-based): chr1:179,903,981, C>T. VCF-style: chr1-179903981-C-T. GRCh37 (hg19) VCF-style: chr1-179873116-C-T.
Other names: c.758C>T, p.Ser253Leu (NM_001267578.2); short protein forms S252L, S253L.
Identifiers: ClinVar variation 978531 (VCV000978531.8), dbSNP rs1198939008, ClinGen allele CA343566580.

ClinVar aggregate classification (germline): Uncertain significance. Review status: criteria provided, multiple submitters, no conflicts (2 of 4 stars). 4 submissions from 4 submitters: Uncertain significance (4). Last evaluated 2025-02-11.

Conditions:
Autosomal recessive limb-girdle muscular dystrophy type 2Y (MRRSDC). Also called: Muscular dystrophy, limb-girdle, type 2y; Muscular dystrophy, autosomal recessive, with rigid spine and distal joint contractures. Identifiers: Orphanet 424261, MedGen C4511482, MONDO:0014900, OMIM 617072.

Allele frequency attached by ClinVar (database versions not stated): gnomAD exomes below 0.00001 and 0.00001; gnomAD 0.00001; TOPMed 0.00001.
gnomAD v4.1: 4 of 1,604,526 alleles (0.00025%); highest among the groups gnomAD compares: Admixed American, 0.005%; no homozygotes.

Submissions (4):

GeneDx
Classification: Uncertain significance. Last evaluated: 2025-02-11. Review status: criteria provided, single submitter. Criteria: GeneDx Variant Classification Process June 2021. Collection method: clinical testing. Allele origin: germline. Affected: yes.
Comment: Not observed at significant frequency in large population cohorts (gnomAD); In silico analysis indicates that this missense variant does not alter protein structure/function; Has not been previously published as pathogenic or benign to our knowledge

Genome-Nilou Lab
Classification: Uncertain significance for Autosomal recessive limb-girdle muscular dystrophy type 2Y. Last evaluated: 2023-04-11. Review status: criteria provided, single submitter. Criteria: ACMG Guidelines, 2015. Collection method: clinical testing. Allele origin: germline. Affected: no.

Baylor Genetics
Classification: Uncertain significance for Autosomal recessive limb-girdle muscular dystrophy type 2Y. Last evaluated: 2018-12-23. Review status: criteria provided, single submitter. Criteria: ACMG Guidelines, 2015. Collection method: clinical testing. Allele origin: unknown. Affected: yes.
Comment: This variant was determined to be of uncertain significance according to ACMG Guidelines, 2015 [PMID:25741868].

Labcorp Genetics (formerly Invitae), Labcorp
Classification: Uncertain significance for Autosomal recessive limb-girdle muscular dystrophy type 2Y. Last evaluated: 2018-05-07. Review status: criteria provided, single submitter. Criteria: Invitae Variant Classification Sherloc (09022015). Collection method: clinical testing. Allele origin: germline.
Comment: In summary, the available evidence is currently insufficient to determine the role of this variant in disease. Therefore, it has been classified as a Variant of Uncertain Significance. Algorithms developed to predict the effect of missense changes on protein structure and function output the following: SIFT: "Tolerated"; PolyPhen-2: "Benign"; Align-GVGD: "Class C0". The leucine amino acid residue is found in multiple mammalian species, suggesting that this missense change does not adversely affect protein function. These predictions have not been confirmed by published functional studies and their clinical significance is uncertain. This variant has not been reported in the literature in individuals with TOR1AIP1-related disease. This variant is not present in population databases (ExAC no frequency). This sequence change replaces serine with leucine at codon 253 of the TOR1AIP1 protein (p.Ser253Leu). The serine residue is weakly conserved and there is a large physicochemical difference between serine and leucine.